The following is an entry in ClinVar:

ClinVar aggregate classification (germline): Uncertain significance (1 of 4 stars; one submission).

Submission:

GeneDx
Classification: Uncertain significance. Last evaluated: 2022-03-23. Review status: criteria provided, single submitter. Criteria: GeneDx Variant Classification Process June 2021. Collection method: clinical testing. Allele origin: germline. Affected: yes.
Comment: Not observed at significant frequency in large population cohorts (gnomAD); In silico analysis supports that this missense variant does not alter protein structure/function; Has not been previously published as pathogenic or benign to our knowledge

NM_005765.3(ATP6AP2):c.32T>C (p.Val11Ala)

Genes: ATP6AP2 (ATPase H+ transporting accessory protein 2; plus strand), LOC130068149 (ATAC-STARR-seq lymphoblastoid silent region 20763; plus strand). Cytogenetic location: Xp11.4.
Variant type: single nucleotide variant.
Coding change: c.32T>C on transcript NM_005765.3 (MANE Select); coding-DNA position 32, T replaced by C.
Protein change: p.Val11Ala; replaces valine 11 with alanine.
Molecular consequence: missense variant.
Genome position (GRCh38, 1-based): chrX:40,581,097, T>C. VCF-style: chrX-40581097-T-C. GRCh37 (hg19) VCF-style: chrX-40440349-T-C.
Other names: short protein forms V11A.
Identifiers: ClinVar variation 1676402 (VCV001676402.2), dbSNP rs2146534497, ClinGen allele CA412751368.